The following is an entry in ClinVar:

ClinVar aggregate classification (germline): Likely benign. Review status: criteria provided, multiple submitters, no conflicts (2 of 4 stars). 2 submissions from 2 submitters: Likely benign (2). Last evaluated 2025-10-02.

Allele frequency attached by ClinVar (database versions not stated): gnomAD exomes 0.00003; TOPMed 0.00003; gnomAD 0.00004; ExAC 0.00006; ESP Exome Variant Server 0.00008.
gnomAD v4.1: 53 of 1,613,902 alleles (0.0033%); highest among the groups gnomAD compares: Non-Finnish European, 0.0043%; no homozygotes.

Submissions (2):

Labcorp Genetics (formerly Invitae), Labcorp
Classification: Likely benign. Last evaluated: 2025-10-02. Review status: criteria provided, single submitter. Criteria: Invitae Variant Classification Sherloc (09022015). Collection method: clinical testing. Allele origin: germline.

CeGaT Center for Human Genetics Tuebingen
Classification: Likely benign. Last evaluated: 2023-02-01. Review status: criteria provided, single submitter. Criteria: CeGaT Center For Human Genetics Tuebingen Variant Classification Criteria Version 2. Collection method: clinical testing. Allele origin: germline. Affected: yes. Observed: 1 variant allele.
Comment: SON: BP4, BP7

NM_138927.4(SON):c.5496T>G (p.Ser1832=)

Gene: SON (SON DNA and RNA binding protein; plus strand). Cytogenetic location: 21q22.11.
Variant type: single nucleotide variant.
Coding change: c.5496T>G on transcript NM_138927.4 (MANE Select); coding-DNA position 5496, T replaced by G.
Protein change: p.Ser1832=; no amino-acid change (serine 1832 retained).
Molecular consequence: synonymous variant. On other transcripts: non-coding transcript variant (1), intron variant (1).
Genome position (GRCh38, 1-based): chr21:33,554,727, T>G. VCF-style: chr21-33554727-T-G. GRCh37 (hg19) VCF-style: chr21-34927033-T-G.
Other names: c.5496T>G, p.Ser1832= (NM_001291411.2, NM_001412133.1, NM_032195.3 and 2 more transcripts); c.245-2429T>G (NM_001291412.3).
Identifiers: ClinVar variation 2157115 (VCV002157115.28), dbSNP rs376172877, ClinGen allele CA10009751.